The following is an entry in ClinVar:

ClinVar aggregate classification (germline): Likely benign (1 of 4 stars; one submission).

Conditions:
SEMA3G-related disorder. Also called: SEMA3G-related condition.

Submission:

PreventionGenetics, part of Exact Sciences
Classification: Likely benign for SEMA3G-related condition. Last evaluated: 2025-06-25. Review status: criteria provided, single submitter. Criteria: ACMG Guidelines, 2015. Collection method: clinical testing. Allele origin: germline.
Comment: This variant is classified as likely benign based on ACMG/AMP sequence variant interpretation guidelines (Richards et al. 2015 PMID: 25741868, with internal and published modifications).

NM_020163.3(SEMA3G):c.2310C>T (p.Ala770=)

Gene: SEMA3G (semaphorin 3G; minus strand). Cytogenetic location: 3p21.1.
Variant type: single nucleotide variant.
Coding change: c.2310C>T on transcript NM_020163.3 (MANE Select); coding-DNA position 2310, C replaced by T.
Protein change: p.Ala770=; no amino-acid change (alanine 770 retained).
Molecular consequence: synonymous variant.
Genome position (GRCh38, 1-based): chr3:52,435,642, G>A on the plus strand (C>T on the coding strand, the complement: SEMA3G is on the minus strand). VCF-style: chr3-52435642-G-A. GRCh37 (hg19) VCF-style: chr3-52469658-G-A.
Identifiers: ClinVar variation 4978014 (VCV004978014.1).
Genomic context (GRCh38, chr3:52,435,642, plus strand): 5'-CCACCCCTCCTCTGCCCCCTTCTACGTGGCCTCCACCTCCCGGGGCGTCCGATTGTGCTC[G>A]GCATGCACCCGGCTCTTCATCTTCTTGCCTAGCTCCAGCCCTGCCCAGCTCTTGCCCCTG-3'
Protein context (NP_064548.1, residues 760-780): LGKKMKSRVH[Ala770=]EHNRTPREVE